The following is an entry in ClinVar:

NM_001134831.2(AHI1):c.2964G>A (p.Glu988=)

Gene: AHI1 (Abelson helper integration site 1; minus strand). Cytogenetic location: 6q23.3.
Variant type: single nucleotide variant.
Coding change: c.2964G>A on transcript NM_001134831.2 (MANE Select); coding-DNA position 2964, G replaced by A.
Protein change: p.Glu988=; no amino-acid change (glutamic acid 988 retained).
Molecular consequence: synonymous variant.
Genome position (GRCh38, 1-based): chr6:135,404,975, C>T on the plus strand (G>A on the coding strand, the complement: AHI1 is on the minus strand). VCF-style: chr6-135404975-C-T. GRCh37 (hg19) VCF-style: chr6-135726113-C-T.
Other names: c.2964G>A, p.Glu988= (NM_001134830.2, NM_001134832.2, NM_001350503.2 and 2 more transcripts); c.2964G>A (NM_017651.4).
Identifiers: ClinVar variation 1147576 (VCV001147576.11), dbSNP rs1356996626, ClinGen allele CA452341454.

ClinVar aggregate classification (germline): Likely benign. Review status: criteria provided, multiple submitters, no conflicts (2 of 4 stars). 3 submissions from 3 submitters: Likely benign (3). Last evaluated 2026-09-24.

Conditions:
Joubert syndrome. Also called: Familial aplasia of the vermis; JOUBERT-BOLTSHAUSER SYNDROME. Identifiers: Orphanet 475, MedGen C5979921, MONDO:0018772.
AHI1-related disorder. Also called: AHI1-related condition.

Allele frequency attached by ClinVar (database versions not stated): gnomAD exomes below 0.00001.
gnomAD v4.1: 5 of 1,605,950 alleles (0.00031%); highest among the groups gnomAD compares: Non-Finnish European, 0.00043%; no homozygotes.

Submissions (3):

PreventionGenetics, part of Exact Sciences
Classification: Likely benign for AHI1-related condition. Last evaluated: 2026-09-24. Review status: criteria provided, single submitter. Criteria: ACMG Guidelines, 2015. Collection method: clinical testing. Allele origin: germline.
Comment: This variant is classified as likely benign based on ACMG/AMP sequence variant interpretation guidelines (Richards et al. 2015 PMID: 25741868, with internal and published modifications).

Labcorp Genetics (formerly Invitae), Labcorp
Classification: Likely benign for Joubert syndrome. Last evaluated: 2024-02-08. Review status: criteria provided, single submitter. Criteria: Invitae Variant Classification Sherloc (09022015). Collection method: clinical testing. Allele origin: germline.

Blueprint Genetics
Classification: Likely benign. Last evaluated: 2019-11-08. Review status: criteria provided, single submitter. Criteria: ACMG Guidelines, 2015. Collection method: clinical testing. Allele origin: germline.